The following is an entry in ClinVar:

ClinVar aggregate classification (germline): Pathogenic. Review status: criteria provided, multiple submitters, no conflicts (2 of 4 stars). 11 submissions from 11 submitters: Pathogenic (11). Last evaluated 2026-03-26.

Conditions:
CEP290-related disorder. Also called: CEP290-related condition; CEP290-related disorders. Identifiers: MedGen CN239314.
CEP290-related ciliopathy. Also called: CEP290 ciliopathy. Identifiers: MedGen CN305601, MONDO:0100451.
Nephronophthisis. Also called: Juvenile Nephronophthisis. Identifiers: Orphanet 655, MedGen C0687120, MONDO:0019005, HP:0000090.
Joubert syndrome. Also called: Familial aplasia of the vermis; JOUBERT-BOLTSHAUSER SYNDROME. Identifiers: Orphanet 475, MedGen C5979921, MONDO:0018772.
Meckel-Gruber syndrome. Also called: DYSENCEPHALIA SPLANCHNOCYSTICA; GRUBER SYNDROME; Dysencephalia splachnocystica. Identifiers: Orphanet 564, MedGen C0265215, MONDO:0018921.
Retinal dystrophy. Also called: Inherited retinal dystrophy. Identifiers: Orphanet 71862, MedGen C0854723, MeSH D058499, MONDO:0019118, HP:0000556.
Joubert syndrome 5 (JBTS5). Identifiers: Orphanet 2318, MedGen C1857780, MONDO:0012432, OMIM 610188.
Meckel syndrome, type 4 (MKS4). Also called: MECKEL-GRUBER SYNDROME, TYPE 4. Identifiers: Orphanet 564, MedGen C1970161, MONDO:0012626, OMIM 611134.
Bardet-Biedl syndrome 14 (BBS14). Identifiers: Orphanet 110, MedGen C2673874, MONDO:0014442, OMIM 615991.
Leber congenital amaurosis 10 (LCA10). Identifiers: Orphanet 65, MedGen C1857821, MONDO:0012723, OMIM 611755.
Senior-Loken syndrome 6 (SLSN6). Identifiers: Orphanet 3156, MedGen C1857779, MONDO:0012433, OMIM 610189.
Leber congenital amaurosis (LCA). Also called: Leber's amaurosis. Identifiers: Orphanet 65, MedGen C0339527, MeSH D057130, MONDO:0018998.

Allele frequency attached by ClinVar (database versions not stated): gnomAD exomes 0.00001; TOPMed 0.00001; ExAC 0.00002; ESP Exome Variant Server 0.00009.
gnomAD v4.1: 22 of 1,610,352 alleles (0.0014%); highest among the groups gnomAD compares: South Asian, 0.0055%; no homozygotes.

Submissions (11):

PreventionGenetics, part of Exact Sciences
Classification: Pathogenic for CEP290-related condition. Last evaluated: 2026-03-26. Review status: criteria provided, single submitter. Criteria: ACMG Guidelines, 2015. Collection method: clinical testing. Allele origin: germline.
Comment: The CEP290 c.5932C>T variant is predicted to result in premature protein termination (p.Arg1978*). This variant has been reported in multiple individuals with Joubert syndrome or unspecified ciliopathy or retinal disease (see for examples: Table S5, Bachmann-Gagescu et al. 2015. PubMed ID: 26092869; Table S4, Best et al. 2021. PubMed ID: 34716235; Table S1, Lin et al. 2024. PubMed ID: 38219857). This variant is present in 0.0027% of alleles in individuals of European (Non-Finnish) descent in gnomAD. Nonsense variants in CEP290 are an established mechanism of disease. This variant is interpreted as pathogenic.

Labcorp Genetics (formerly Invitae), Labcorp
Classification: Pathogenic for Joubert syndrome; Meckel-Gruber syndrome; Nephronophthisis. Last evaluated: 2026-01-02. Review status: criteria provided, single submitter. Criteria: Invitae Variant Classification Sherloc (09022015). Collection method: clinical testing. Allele origin: germline.
Comment: This sequence change creates a premature translational stop signal (p.Arg1978*) in the CEP290 gene. It is expected to result in an absent or disrupted protein product. Loss-of-function variants in CEP290 are known to be pathogenic (PMID: 16909394, 17345604, 20690115). This variant is present in population databases (rs371525247, gnomAD 0.003%). This premature translational stop signal has been observed in individual(s) with features of CEP290-related disease (PMID: 17617513, 26092869). ClinVar contains an entry for this variant (Variation ID: 217637). Algorithms developed to predict the effect of sequence changes on RNA splicing suggest that this variant may disrupt the consensus splice site. For these reasons, this variant has been classified as Pathogenic.

Natera, Inc.
Classification: Pathogenic for Leber congenital amaurosis. Last evaluated: 2024-10-30. Review status: criteria provided, single submitter. Criteria: Natera Variant Classification Schema (03/2026). Collection method: clinical testing. Allele origin: germline.
Comment: The c.5932C>T variant in CEP290 is a nonsense variant predicted to introduce a stop codon at amino acid 1978. This variant is expected to result in nonsense mediated decay, truncation, or a dysfunctional protein product. This variant is rare in the general population with a frequency below the threshold expected for the associated phenotype(s). This variant has been observed in one or more individuals affected with the associated recessive disease, as either homozygous or compound heterozygous with a second variant (PMID: 36493848). Given the available evidence, this variant is classified as Pathogenic.

Dubai Health Genomic Medicine Center, Dubai Health
Classification: Pathogenic for Leber congenital amaurosis 10. Last evaluated: 2024-10-04. Review status: criteria provided, single submitter. Criteria: ACMG Guidelines, 2015. Collection method: research. Allele origin: germline. Affected: yes.
Comment: PVS1,PM3(strong),PM2

Myriad Genetics, Inc.
Classification: Pathogenic for CEP290-related ciliopathy. Last evaluated: 2024-05-23. Review status: criteria provided, single submitter. Criteria: Myriad Autosomal Dominant, Autosomal Recessive and X-Linked Classification Criteria (2023). Collection method: clinical testing. Allele origin: unknown.
Comment: NM_025114.3(CEP290):c.5932C>T(R1978*) is expected to be pathogenic in the context of CEP290-related disorders. This variant is predicted to lead to an abnormal or absent protein product due to the creation of a premature termination codon in CEP290, a gene where loss-of-function variants are known to be pathogenic. Please note: this variant was assessed in the context of healthy population screening.

Fulgent Genetics
Classification: Pathogenic for Joubert syndrome 5; Senior-Loken syndrome 6; Meckel syndrome, type 4; Leber congenital amaurosis 10; Bardet-Biedl syndrome 14. Last evaluated: 2024-01-05. Review status: criteria provided, single submitter. Criteria: ACMG Guidelines, 2015. Collection method: clinical testing. Allele origin: germline.

Baylor Genetics
Classification: Pathogenic for Bardet-Biedl syndrome 14. Last evaluated: 2023-08-15. Review status: criteria provided, single submitter. Criteria: ACMG Guidelines, 2015. Collection method: clinical testing. Allele origin: unknown.

Institute of Human Genetics, Univ. Regensburg, Univ. Regensburg
Classification: Pathogenic for Retinal dystrophy. Last evaluated: 2023-01-01. Review status: criteria provided, single submitter. Criteria: ACMG Guidelines, 2015. Collection method: clinical testing. Allele origin: germline. Affected: yes.

Blueprint Genetics
Classification: Pathogenic for CEP290-related disorders. Last evaluated: 2021-12-03. Review status: criteria provided, single submitter. Criteria: ACMG Guidelines, 2015. Collection method: clinical testing. Allele origin: germline. Affected: yes. Observed: 3 variant alleles.

Eurofins Ntd Llc (ga)
Classification: Pathogenic. Last evaluated: 2017-01-18. Review status: criteria provided, single submitter. Criteria: EGL Classification Definitions 2015. Collection method: clinical testing. Allele origin: germline. Observed: 1 variant allele, 1 heterozygote.

UW Hindbrain Malformation Research Program, University of Washington
Classification: Pathogenic for Joubert syndrome 5. Last evaluated: 2015-02-23. Review status: criteria provided, single submitter. Criteria: Bachmann-Gagescu et al. (J Med Genet. 2015). Collection method: research. Allele origin: unknown. Affected: yes.

Literature cited by the submitters: PubMed 16909394 (cited by Labcorp Genetics (formerly Invitae), Labcorp); PubMed 17345604 (cited by Labcorp Genetics (formerly Invitae), Labcorp); PubMed 20690115 (cited by Labcorp Genetics (formerly Invitae), Labcorp); PubMed 17617513 (cited by Labcorp Genetics (formerly Invitae), Labcorp and Institute of Human Genetics, Univ. Regensburg, Univ. Regensburg); PubMed 26092869 (cited by Labcorp Genetics (formerly Invitae), Labcorp and Institute of Human Genetics, Univ. Regensburg, Univ. Regensburg); PubMed 36493848 (cited by Natera, Inc.); PubMed 25525159 (cited by Institute of Human Genetics, Univ. Regensburg, Univ. Regensburg); PubMed 31589614 (cited by Institute of Human Genetics, Univ. Regensburg, Univ. Regensburg); PubMed 31964843 (cited by Institute of Human Genetics, Univ. Regensburg, Univ. Regensburg); PubMed 34716235 (cited by Institute of Human Genetics, Univ. Regensburg, Univ. Regensburg); PubMed 36819107 (cited by Institute of Human Genetics, Univ. Regensburg, Univ. Regensburg).

NM_025114.4(CEP290):c.5932C>T (p.Arg1978Ter)

Gene: CEP290 (centrosomal protein 290; minus strand). Cytogenetic location: 12q21.32.
Variant type: single nucleotide variant.
Coding change: c.5932C>T on transcript NM_025114.4 (MANE Select); coding-DNA position 5932, C replaced by T.
Protein change: p.Arg1978Ter; replaces arginine 1978 with a stop codon.
Molecular consequence: nonsense.
Genome position (GRCh38, 1-based): chr12:88,071,373, G>A on the plus strand (C>T on the coding strand, the complement: CEP290 is on the minus strand). VCF-style: chr12-88071373-G-A. GRCh37 (hg19) VCF-style: chr12-88465150-G-A.
Other names: short protein forms R1978*.
Identifiers: ClinVar variation 217637 (VCV000217637.21), dbSNP rs371525247, ClinGen allele CA277735.